The following is an entry in ClinVar:

NM_003091.4(SNRPB):c.451dup (p.Ala151fs)

Gene: SNRPB (small nuclear ribonucleoprotein polypeptides B and B1; minus strand). Cytogenetic location: 20p13.
Variant type: Duplication.
Coding change: c.451dup on transcript NM_003091.4 (MANE Select); coding-DNA position 451, one base duplicated (G; older notation c.451dupG).
Protein change: p.Ala151fs; shifts the reading frame from alanine 151.
Molecular consequence: frameshift variant.
Genome position (GRCh38, 1-based): chr20:2,463,197, C duplicated on the plus strand (G on the coding strand, the reverse complement: SNRPB is on the minus strand). VCF-style (leftmost placement, unchanged base first): chr20-2463196-G-GC. GRCh37 (hg19) VCF-style: chr20-2443842-G-GC.
Other names: c.451dup, p.Ala151fs (NM_198216.2); short protein forms A151fs.
Identifiers: ClinVar variation 3045960 (VCV003045960.3), dbSNP rs2514420247, ClinGen allele CA2740096980.

ClinVar aggregate classification (germline): Uncertain significance (1 of 4 stars; one submission).

Conditions:
SNRPB-related disorder. Also called: SNRPB-related condition.

Submission:

PreventionGenetics, part of Exact Sciences
Classification: Uncertain significance for SNRPB-related condition. Last evaluated: 2026-08-26. Review status: criteria provided, single submitter. Criteria: ACMG Guidelines, 2015. Collection method: clinical testing. Allele origin: germline.
Comment: The SNRPB c.451dupG variant is predicted to result in a frameshift and premature protein termination (p.Ala151Glyfs*118). To our knowledge, this variant has not been reported in the literature or in a large population database, indicating this variant is rare. Also, loss of function is not an established mechanism of disease for SNRPB-related disorders. At this time, the clinical significance of this variant is uncertain due to the absence of conclusive functional and genetic evidence.